The following is an entry in ClinVar:

NM_006361.6(HOXB13):c.348C>G (p.Ala116=)

Gene: HOXB13 (homeobox B13; minus strand). Cytogenetic location: 17q21.32.
Variant type: single nucleotide variant.
Coding change: c.348C>G on transcript NM_006361.6 (MANE Select); coding-DNA position 348, C replaced by G.
Protein change: p.Ala116=; no amino-acid change (alanine 116 retained).
Molecular consequence: synonymous variant.
Genome position (GRCh38, 1-based): chr17:48,728,246, G>C on the plus strand (C>G on the coding strand, the complement: HOXB13 is on the minus strand). VCF-style: chr17-48728246-G-C. GRCh37 (hg19) VCF-style: chr17-46805608-G-C.
Other names: c.348C>G (NM_006361.5).
Identifiers: ClinVar variation 1121484 (VCV001121484.11), dbSNP rs753116559, ClinGen allele CA500661866.

ClinVar aggregate classification (germline): Benign/Likely benign. Review status: criteria provided, multiple submitters, no conflicts (2 of 4 stars). 3 submissions from 3 submitters: Benign (1); Likely benign (2). Last evaluated 2024-11-26.

Conditions:
Prostate cancer, hereditary, 9 (HPC9). Identifiers: Orphanet 1331, MedGen C1970250, MONDO:0012597, OMIM 610997.
Hereditary cancer-predisposing syndrome. Also called: Neoplastic Syndromes, Hereditary; Hereditary Cancer Syndrome; Hereditary neoplastic syndrome; Tumor predisposition. Identifiers: Orphanet 140162, MedGen C0027672, MeSH D009386, MONDO:0015356.

gnomAD v4.1: 2 of 1,614,196 alleles (0.00012%); highest among the groups gnomAD compares: Non-Finnish European, 0.00017%; no homozygotes.

Submissions (3):

Labcorp Genetics (formerly Invitae), Labcorp
Classification: Likely benign. Last evaluated: 2024-11-26. Review status: criteria provided, single submitter. Criteria: Invitae Variant Classification Sherloc (09022015). Collection method: clinical testing. Allele origin: germline.

Myriad Genetics, Inc.
Classification: Benign for Prostate cancer, hereditary, 9. Last evaluated: 2024-10-29. Review status: criteria provided, single submitter. Criteria: Myriad Autosomal Dominant, Autosomal Recessive and X-Linked Classification Criteria (2023). Collection method: clinical testing. Allele origin: unknown.
Comment: This variant is considered benign. This variant is a silent/synonymous amino acid change and it is not expected to impact splicing.

Ambry Genetics
Classification: Likely benign for Hereditary cancer-predisposing syndrome. Last evaluated: 2022-11-04. Review status: criteria provided, single submitter. Criteria: Ambry Variant Classification Scheme 2023. Collection method: clinical testing. Allele origin: germline.